The following is an entry in ClinVar:

NM_001037333.3(CYFIP2):c.2673+1988A>G

Genes: CYFIP2 (cytoplasmic FMR1 interacting protein 2; plus strand), FNDC9 (fibronectin type III domain containing 9; minus strand). Cytogenetic location: 5q33.3.
Variant type: single nucleotide variant.
Coding change: c.2673+1988A>G on transcript NM_001037333.3 (MANE Select); 1988 bases into the intron after coding-DNA position 2673, A replaced by G.
Molecular consequence: intron variant. On other transcripts: missense variant (1).
Genome position (GRCh38, 1-based): chr5:157,343,145, A>G. VCF-style: chr5-157343145-A-G. GRCh37 (hg19) VCF-style: chr5-156770153-A-G.
Other names: c.392T>C, p.Ile131Thr (NM_001001343.4); c.2748+1988A>G (NM_001291722.2); c.2595+1988A>G (NM_001291721.2); c.2673+1988A>G (NM_014376.4); short protein forms I131T.
Identifiers: ClinVar variation 2655994 (VCV002655994.24), dbSNP rs141899488, ClinGen allele CA3534020.
Genomic context (GRCh38, chr5:157,343,145, plus strand): 5'-TGGCCAGCCCTGTAAGACCATCGCGGCTCATGGCAACGGACACACCAGAACTGGAGGCAG[A>G]TGAAGGCCAAGACGGCTGTGAAGCAGGCCAGCAGAATGGCCATCAGCACCCAAAGGGAGA-3'

ClinVar aggregate classification (germline): Likely benign (1 of 4 stars; one submission).

Allele frequency attached by ClinVar (database versions not stated): 1000 Genomes Project 0.00120; 1000 Genomes Project 30x 0.00125; ExAC 0.00218; gnomAD 0.00244; TOPMed 0.00245; gnomAD exomes 0.00328; ESP Exome Variant Server 0.00338.
gnomAD v4.1: 5,101 of 1,614,228 alleles (0.32%); highest among the groups gnomAD compares: Non-Finnish European, 0.4%; 9 homozygotes.

Submission:

CeGaT Center for Human Genetics Tuebingen
Classification: Likely benign. Last evaluated: 2025-07-01. Review status: criteria provided, single submitter. Criteria: CeGaT Center For Human Genetics Tuebingen Variant Classification Criteria Version 2. Collection method: clinical testing. Allele origin: germline. Affected: yes. Observed: 5 variant alleles.
Comment: CYFIP2: BS1